The following is an entry in ClinVar:

NM_198576.4(AGRN):c.5247G>A (p.Glu1749=)

Gene: AGRN (agrin; plus strand). Cytogenetic location: 1p36.33.
Variant type: single nucleotide variant.
Coding change: c.5247G>A on transcript NM_198576.4 (MANE Select); coding-DNA position 5247, G replaced by A.
Protein change: p.Glu1749=; no amino-acid change (glutamic acid 1749 retained).
Molecular consequence: synonymous variant.
Genome position (GRCh38, 1-based): chr1:1,050,831, G>A. VCF-style: chr1-1050831-G-A. GRCh37 (hg19) VCF-style: chr1-986211-G-A.
Other names: c.5247G>A, p.Glu1749= (NM_001305275.2); c.4932G>A, p.Glu1644= (NM_001364727.2).
Identifiers: ClinVar variation 541199 (VCV000541199.10), dbSNP rs367587156, ClinGen allele CA509920.

ClinVar aggregate classification (germline): Likely benign. Review status: criteria provided, single submitter (1 of 4 stars). 2 submissions from 2 submitters: Likely benign (1). 1 of the submissions does not count toward it. Last evaluated 2025-12-23.

Conditions:
AGRN-related disorder. Also called: AGRN-related condition.
Congenital myasthenic syndrome 8. Also called: MYASTHENIC SYNDROME, CONGENITAL, DUE TO AGRIN DEFICIENCY; Myasthenic syndrome, congenital, 8, with pre- and postsynaptic defects. Identifiers: Orphanet 590, MedGen C3808739, MONDO:0014052, OMIM 615120.

Allele frequency attached by ClinVar (database versions not stated): gnomAD exomes 0.00001 and 0.00005; gnomAD 0.00013 and 0.00015; ExAC 0.00014; TOPMed 0.00022; ESP Exome Variant Server 0.00023.
gnomAD v4.1: 38 of 1,575,454 alleles (0.0024%); highest among the groups gnomAD compares: African/African-American, 0.044%; no homozygotes.

Submissions (2):

Labcorp Genetics (formerly Invitae), Labcorp
Classification: Likely benign for Congenital myasthenic syndrome 8. Last evaluated: 2025-12-23. Review status: criteria provided, single submitter. Criteria: Invitae Variant Classification Sherloc (09022015). Collection method: clinical testing. Allele origin: germline.

PreventionGenetics, part of Exact Sciences
Classification: Likely benign for AGRN-related condition. Last evaluated: 2019-05-21. Review status: no assertion criteria provided. Collection method: clinical testing. Allele origin: germline. Not counted in ClinVar's aggregate classification.
Comment: This variant is classified as likely benign based on ACMG/AMP sequence variant interpretation guidelines (Richards et al. 2015 PMID: 25741868, with internal and published modifications).